The following is an entry in ClinVar:

ClinVar aggregate classification (germline): Uncertain significance (1 of 4 stars; one submission).

Conditions:
Inborn genetic diseases. Identifiers: MedGen C0950123, MeSH D030342.

Allele frequency attached by ClinVar (database versions not stated): TOPMed 0.00001; gnomAD 0.00001.

Submission:

Ambry Genetics
Classification: Uncertain significance for Inborn genetic diseases. Last evaluated: 2026-09-14. Review status: criteria provided, single submitter. Criteria: Ambry Variant Classification Scheme 2023. Collection method: clinical testing. Allele origin: germline.
Comment: The p.A945S variant (also known as c.2833G>T), located in coding exon 20 of the MIB1 gene, results from a G to T substitution at nucleotide position 2833. The alanine at codon 945 is replaced by serine, an amino acid with similar properties. This amino acid position is conserved. In addition, the in silico prediction for this alteration is inconclusive. Based on the available evidence, the clinical significance of this variant remains unclear.

NM_020774.4(MIB1):c.2833G>T (p.Ala945Ser)

Gene: MIB1 (MIB E3 ubiquitin protein ligase 1; plus strand). Cytogenetic location: 18q11.2.
Variant type: single nucleotide variant.
Coding change: c.2833G>T on transcript NM_020774.4 (MANE Select); coding-DNA position 2833, G replaced by T.
Protein change: p.Ala945Ser; replaces alanine 945 with serine.
Molecular consequence: missense variant.
Genome position (GRCh38, 1-based): chr18:21,858,599, G>T. VCF-style: chr18-21858599-G-T. GRCh37 (hg19) VCF-style: chr18-19438560-G-T.
Other names: short protein forms A945S.
Identifiers: ClinVar variation 2227899 (VCV002227899.3), dbSNP rs917813158, ClinGen allele CA296943837.